The following is an entry in ClinVar:

ClinVar aggregate classification (germline): Likely pathogenic (1 of 4 stars; one submission).

Conditions:
Autosomal recessive nonsyndromic hearing loss 77. Identifiers: Orphanet 90636, MedGen C2746083, MONDO:0013119, OMIM 613079.

Submission:

3billion
Classification: Likely pathogenic for Autosomal recessive nonsyndromic hearing loss 77. Last evaluated: 2022-01-03. Review status: criteria provided, single submitter. Criteria: ACMG Guidelines, 2015. Collection method: clinical testing. Allele origin: germline. Affected: yes. Observed: 1 heterozygote.
Comment: Frameshift: predicted to result in a loss or disruption of normal protein function through nonsense-mediated decay (NMD) or protein truncation. Multiple pathogenic variants are reported downstream of the variant (PVS1_VS). It is not observed in the gnomAD v2.1.1 dataset (PM2_M). Therefore, this variant is classified as likely pathogenic according to the recommendation of ACMG/AMP guideline.

NM_001384474.1(LOXHD1):c.3663del (p.Phe1221fs)

Gene: LOXHD1 (lipoxygenase homology PLAT domains 1; minus strand). Cytogenetic location: 18q21.1.
Variant type: Deletion.
Coding change: c.3663del on transcript NM_001384474.1 (MANE Select); coding-DNA position 3663, one base deleted (T; older notation c.3663delT).
Protein change: p.Phe1221fs; shifts the reading frame from phenylalanine 1221.
Molecular consequence: frameshift variant.
Genome position (GRCh38, 1-based): chr18:46,542,812, A deleted on the plus strand (T on the coding strand, the reverse complement: LOXHD1 is on the minus strand); the first of 3 consecutive A bases (chr18:46,542,812-46,542,814); deleting any one gives the same sequence. VCF-style (leftmost placement, unchanged base first): chr18-46542811-CA-C. GRCh37 (hg19) VCF-style: chr18-44122774-CA-C.
Other names: c.330del, p.Phe110fs (NM_001145472.3); c.42del, p.Phe14fs (NM_001308013.2); c.3663del, p.Phe1221fs (NM_144612.7); short protein forms F110fs, F1221fs, F14fs.
Identifiers: ClinVar variation 1333579 (VCV001333579.1), dbSNP rs2144371589, ClinGen allele CA2573054667.